The following is an entry in ClinVar:

ClinVar aggregate classification (germline): Conflicting classifications of pathogenicity. Review status: criteria provided, conflicting classifications (1 of 4 stars). 2 submissions from 2 submitters: Uncertain significance (1); Benign (1). Last evaluated 2022-07-30.

Conditions:
Osteogenesis imperfecta type 6. Also called: Osteogenesis imperfecta, type VI. Identifiers: Orphanet 666, MedGen C3279564, MONDO:0013515, OMIM 613982.

Allele frequency attached by ClinVar (database versions not stated): TOPMed 0.00001; ExAC 0.00002; gnomAD exomes 0.00002.
gnomAD v4.1: 35 of 1,613,896 alleles (0.0022%); highest among the groups gnomAD compares: South Asian, 0.0055%; no homozygotes.

Submissions (2):

Labcorp Genetics (formerly Invitae), Labcorp
Classification: Uncertain significance. Last evaluated: 2022-07-30. Review status: criteria provided, single submitter. Criteria: Invitae Variant Classification Sherloc (09022015). Collection method: clinical testing. Allele origin: germline.
Comment: In summary, the available evidence is currently insufficient to determine the role of this variant in disease. Therefore, it has been classified as a Variant of Uncertain Significance. Algorithms developed to predict the effect of missense changes on protein structure and function are either unavailable or do not agree on the potential impact of this missense change (SIFT: "Not Available"; PolyPhen-2: "Benign"; Align-GVGD: "Not Available"). ClinVar contains an entry for this variant (Variation ID: 684393). This variant has not been reported in the literature in individuals affected with SERPINF1-related conditions. This variant is present in population databases (rs762383656, gnomAD 0.007%). This sequence change replaces threonine, which is neutral and polar, with methionine, which is neutral and non-polar, at codon 170 of the SERPINF1 protein (p.Thr170Met).

Medical Molecular Genetics Department, National Research Center
Classification: Benign for Osteogenesis imperfecta, type VI. Review status: criteria provided, single submitter. Criteria: ACMG Guidelines, 2015. Collection method: clinical testing. Allele origin: inherited. Inheritance: Autosomal recessive inheritance. Observed: 1 variant allele.

NM_002615.7(SERPINF1):c.509C>T (p.Thr170Met)

Gene: SERPINF1 (serpin family F member 1; plus strand). Cytogenetic location: 17p13.3.
Variant type: single nucleotide variant.
Coding change: c.509C>T on transcript NM_002615.7 (MANE Select); coding-DNA position 509, C replaced by T.
Protein change: p.Thr170Met; replaces threonine 170 with methionine.
Molecular consequence: missense variant. On other transcripts: 5 prime UTR variant (2).
Genome position (GRCh38, 1-based): chr17:1,771,941, C>T. VCF-style: chr17-1771941-C-T. GRCh37 (hg19) VCF-style: chr17-1675235-C-T.
Other names: c.509C>T, p.Thr170Met (NM_001329903.2); c.-53C>T (NM_001329904.2, NM_001329905.2); short protein forms T170M.
Identifiers: ClinVar variation 684393 (VCV000684393.5), dbSNP rs762383656, ClinGen allele CA8274724.